The following is an entry in ClinVar:

NM_014875.3(KIF14):c.1372A>G (p.Met458Val)

Gene: KIF14 (kinesin family member 14; minus strand). Cytogenetic location: 1q32.1.
Variant type: single nucleotide variant.
Coding change: c.1372A>G on transcript NM_014875.3 (MANE Select); coding-DNA position 1372, A replaced by G.
Protein change: p.Met458Val; replaces methionine 458 with valine.
Molecular consequence: missense variant. On other transcripts: intron variant (1).
Genome position (GRCh38, 1-based): chr1:200,614,401, T>C on the plus strand (A>G on the coding strand, the complement: KIF14 is on the minus strand). VCF-style: chr1-200614401-T-C. GRCh37 (hg19) VCF-style: chr1-200583529-T-C.
Other names: c.1372A>G (NM_014875.2); c.-19+954A>G (NM_001305792.1); short protein forms M458V.
Identifiers: ClinVar variation 3710933 (VCV003710933.4).

ClinVar aggregate classification (germline): Benign/Likely benign. Review status: criteria provided, multiple submitters, no conflicts (2 of 4 stars). 2 submissions from 2 submitters: Benign (1); Likely benign (1). Last evaluated 2026-05-11.

Conditions:
KIF14-related disorder. Also called: KIF14-related condition.

gnomAD v4.1: 568 of 1,578,862 alleles (0.036%); highest among the groups gnomAD compares: Middle Eastern, 0.017%; 4 homozygotes.

Submissions (3):

PreventionGenetics, part of Exact Sciences
Classification: Likely benign for KIF14-related condition. Last evaluated: 2026-05-11. Review status: criteria provided, single submitter. Criteria: ACMG Guidelines, 2015. Collection method: clinical testing. Allele origin: germline.
Comment: This variant is classified as likely benign based on ACMG/AMP sequence variant interpretation guidelines (Richards et al. 2015 PMID: 25741868, with internal and published modifications).

Labcorp Genetics (formerly Invitae), Labcorp
Classification: Benign. Last evaluated: 2026-01-28. Review status: criteria provided, single submitter. Criteria: Invitae Variant Classification Sherloc (09022015). Collection method: clinical testing. Allele origin: germline.

Dr. Peter K. Rogan Lab, Western University
No classification provided (evidence only). Condition: Thyroid cancer, nonmedullary, 1. Review status: no classification provided. Collection method: in vitro. Allele origin: not applicable. Functional consequence: retained intron. Not counted in ClinVar's aggregate classification.